The following is an entry in ClinVar:

NM_001039958.2(MESP2):c.782C>T (p.Ser261Leu)

Gene: MESP2 (mesoderm posterior bHLH transcription factor 2; plus strand). Cytogenetic location: 15q26.1.
Variant type: single nucleotide variant.
Coding change: c.782C>T on transcript NM_001039958.2 (MANE Select); coding-DNA position 782, C replaced by T.
Protein change: p.Ser261Leu; replaces serine 261 with leucine.
Molecular consequence: missense variant.
Genome position (GRCh38, 1-based): chr15:89,777,139, C>T. VCF-style: chr15-89777139-C-T. GRCh37 (hg19) VCF-style: chr15-90320370-C-T.
Other names: short protein forms S261L.
Identifiers: ClinVar variation 1365697 (VCV001365697.8), dbSNP rs757839053, ClinGen allele CA7730509.

ClinVar aggregate classification (germline): Uncertain significance (1 of 4 stars; one submission).

Allele frequency attached by ClinVar (database versions not stated): gnomAD exomes below 0.00001; ExAC 0.00001.
gnomAD v4.1: 1 of 1,613,018 alleles (0.000062%); highest among the groups gnomAD compares: Non-Finnish European, 0.000085%; no homozygotes.

Submission:

Labcorp Genetics (formerly Invitae), Labcorp
Classification: Uncertain significance. Last evaluated: 2021-07-07. Review status: criteria provided, single submitter. Criteria: Invitae Variant Classification Sherloc (09022015). Collection method: clinical testing. Allele origin: germline.
Comment: In summary, the available evidence is currently insufficient to determine the role of this variant in disease. Therefore, it has been classified as a Variant of Uncertain Significance. Algorithms developed to predict the effect of missense changes on protein structure and function output the following: SIFT: "Tolerated"; PolyPhen-2: "Benign"; Align-GVGD: "Class C0". The leucine amino acid residue is found in multiple mammalian species, which suggests that this missense change does not adversely affect protein function. This variant has not been reported in the literature in individuals affected with MESP2-related conditions. This variant is present in population databases (rs757839053, ExAC 0.01%). This sequence change replaces serine with leucine at codon 261 of the MESP2 protein (p.Ser261Leu). The serine residue is weakly conserved and there is a large physicochemical difference between serine and leucine.